The following is an entry in ClinVar:

NM_021971.4(GMPPB):c.1027G>C (p.Val343Leu)

Gene: GMPPB (GDP-mannose pyrophosphorylase B; minus strand). Cytogenetic location: 3p21.31.
Variant type: single nucleotide variant.
Coding change: c.1027G>C on transcript NM_021971.4 (MANE Select); coding-DNA position 1027, G replaced by C.
Protein change: p.Val343Leu; replaces valine 343 with leucine.
Molecular consequence: missense variant.
Genome position (GRCh38, 1-based): chr3:49,721,808, C>G on the plus strand (G>C on the coding strand, the complement: GMPPB is on the minus strand). VCF-style: chr3-49721808-C-G. GRCh37 (hg19) VCF-style: chr3-49759241-C-G.
Other names: c.1108G>C, p.Val370Leu (NM_013334.4); c.1108G>C (NM_013334.3); short protein forms V343L, V370L.
Identifiers: ClinVar variation 985743 (VCV000985743.11), dbSNP rs1409825474, ClinGen allele CA352826042.

ClinVar aggregate classification (germline): Conflicting classifications of pathogenicity. Review status: criteria provided, conflicting classifications (1 of 4 stars). 4 submissions from 4 submitters: Likely pathogenic (1); Uncertain significance (3). Last evaluated 2026-04-20.

Conditions:
Muscular dystrophy-dystroglycanopathy (congenital with brain and eye anomalies), type A14. Also called: WALKER-WARBURG SYNDROME OR MUSCLE-EYE-BRAIN DISEASE, GMPPB-RELATED; Congenital Muscular Dystrophy-Dystroglycanopathy with Brain and Eye Anomalies Type A 14; Congenital muscular dystrophy-dystroglycanopathy with brain and eye anomalies, type A14; Muscular dystrophy-dystroglycanopathy (congenital with brain and eye anomalies), type a, 14. Identifiers: Orphanet 588, MedGen C3809216, MONDO:0014140, OMIM 615350.
Muscular dystrophy-dystroglycanopathy (congenital with impaired intellectual development), type B, 14. Also called: Muscular dystrophy-dystroglycanopathy (congenital with intellectual disability), type B14; MUSCULAR DYSTROPHY, CONGENITAL, GMPPB-RELATED; Congenital muscular dystrophy-dystroglycanopathy with mental retardation, type B14. Identifiers: MedGen C3809221, MONDO:0014141, OMIM 615351.
Autosomal recessive limb-girdle muscular dystrophy type 2T. Also called: MUSCULAR DYSTROPHY-DYSTROGLYCANOPATHY, LIMB-GIRDLE, GMPPB-RELATED; Limb-girdle muscular dystrophy-dystroglycanopathy, type C14; MUSCULAR DYSTROPHY, LIMB-GIRDLE, TYPE 2T; Muscular dystrophy-dystroglycanopathy (limb-girdle), type c, 14. Identifiers: Orphanet 363623, MedGen C4518000, MONDO:0014142, OMIM 615352.
Myopathy caused by variation in GMPPB. Identifiers: MedGen CN305644, MONDO:0700084.
Inborn genetic diseases. Identifiers: MedGen C0950123, MeSH D030342.

Allele frequency attached by ClinVar (database versions not stated): gnomAD exomes 0.00001.

Submissions (4):

MVZ Martinsried, Medicover Genetics
Classification: Likely pathogenic for Myopathy caused by variation in GMPPB. Last evaluated: 2026-04-20. Review status: criteria provided, single submitter. Criteria: ClinGen Variant Curation SOP V3.2 + Classification Guidance July2025. Collection method: clinical testing. Allele origin: inherited. Observed: 1 compound heterozygote.
Comment: Confirmed in trans with another pathogenic variant in the same gene.

Ambry Genetics
Classification: Uncertain significance for Inborn genetic diseases. Last evaluated: 2023-11-21. Review status: criteria provided, single submitter. Criteria: Ambry Variant Classification Scheme 2023. Collection method: clinical testing. Allele origin: germline.
Comment: The c.1108G>C (p.V370L) alteration is located in coding exon 8 of the GMPPB gene. This alteration results from a G to C substitution at nucleotide position 1108, causing the valine (V) at amino acid position 370 to be replaced by a leucine (L). Based on data from gnomAD, the C allele has an overall frequency of 0.001% (3/249892) total alleles studied. The highest observed frequency was 0.003% (3/113388) of European (non-Finnish) alleles. This alteration has been reported with a second variant in the GMPPB gene in a patient with adult-onset myalgia, muscle weakness, foot drop, foot deformities, ocular myasthenia gravis, and myopathic changes on EMG (Sarkozy, 2018). This amino acid position is highly conserved in available vertebrate species. Functional studies suggests that the variant does not significantly alter protein abundance, but tends to form punctate aggregates that are susceptible to increased lysosomal degradation (Sarkozy, 2018; Tian, 2019). This alteration is predicted to be deleterious by in silico analysis. Based on insufficient or conflicting evidence, the clinical significance of this alteration remains unclear.

Revvity Omics, Revvity
Classification: Uncertain significance. Last evaluated: 2023-07-05. Review status: criteria provided, single submitter. Criteria: ACMG Guidelines, 2015. Collection method: clinical testing. Allele origin: germline.

Labcorp Genetics (formerly Invitae), Labcorp
Classification: Uncertain significance for Autosomal recessive limb-girdle muscular dystrophy type 2T; Muscular dystrophy-dystroglycanopathy (congenital with brain and eye anomalies), type A14; Muscular dystrophy-dystroglycanopathy (congenital with impaired intellectual development), type B, 14. Last evaluated: 2023-04-03. Review status: criteria provided, single submitter. Criteria: Invitae Variant Classification Sherloc (09022015). Collection method: clinical testing. Allele origin: germline.
Comment: In summary, the available evidence is currently insufficient to determine the role of this variant in disease. Therefore, it has been classified as a Variant of Uncertain Significance. Experimental studies have shown that this missense change affects GMPPB function (PMID: 31211170). An algorithm developed to predict the effect of missense changes on protein structure and function (PolyPhen-2) suggests that this variant is likely to be disruptive. ClinVar contains an entry for this variant (Variation ID: 985743). This variant is also known as c.1108G>C (p.Val370Leu). This missense change has been observed in individual(s) with GMPPB-related conditions (PMID: 29437916). This variant is present in population databases (no rsID available, gnomAD 0.003%). This sequence change replaces valine, which is neutral and non-polar, with leucine, which is neutral and non-polar, at codon 343 of the GMPPB protein (p.Val343Leu).

Literature cited by the submitters: PubMed 29437916 (cited by Ambry Genetics and Labcorp Genetics (formerly Invitae), Labcorp); PubMed 30257713 (cited by Ambry Genetics); PubMed 31211170 (cited by Ambry Genetics and Labcorp Genetics (formerly Invitae), Labcorp).